The following is an entry in ClinVar:

NM_001042492.3(NF1):c.3075G>T (p.Arg1025Ser)

Gene: NF1 (neurofibromin 1; plus strand). Cytogenetic location: 17q11.2.
Variant type: single nucleotide variant.
Coding change: c.3075G>T on transcript NM_001042492.3 (MANE Select); coding-DNA position 3075, G replaced by T.
Protein change: p.Arg1025Ser; replaces arginine 1025 with serine.
Molecular consequence: missense variant.
Genome position (GRCh38, 1-based): chr17:31,230,344, G>T. VCF-style: chr17-31230344-G-T. GRCh37 (hg19) VCF-style: chr17-29557362-G-T.
Other names: c.3075G>T, p.Arg1025Ser (NM_000267.4); short protein forms R1025S.
Identifiers: ClinVar variation 5005731 (VCV005005731.2).

ClinVar aggregate classification (germline): Uncertain significance (1 of 4 stars; one submission).

Conditions:
Juvenile myelomonocytic leukemia (JMML). Also called: LEUKEMIA, JUVENILE MYELOMONOCYTIC, SOMATIC. Identifiers: Orphanet 86834, MedGen C0349639, MONDO:0011908, OMIM 607785, HP:0012209.
Neurofibromatosis-Noonan syndrome (NFNS). Also called: NEUROFIBROMATOSIS WITH NOONAN PHENOTYPE. Identifiers: Orphanet 638, MedGen C2931482, MONDO:0011035, OMIM 601321. Disease mechanism: loss of function.
Café-au-lait macules with pulmonary stenosis (WTSN). Also called: PULMONIC STENOSIS WITH CAFE-AU-LAIT SPOTS. Identifiers: MedGen C0553586, MONDO:0008672, OMIM 193520.
Neurofibromatosis, type 1 (NF1). Also called: Peripheral type neurofibromatosis; VON RECKLINGHAUSEN DISEASE; Neurofibromatosis, type I; NEUROFIBROMATOSIS, TYPE I, SOMATIC. Identifiers: Orphanet 636, MedGen C0027831, MONDO:0018975, OMIM 162200. Disease mechanism: loss of function.
Neurofibromatosis, familial spinal (FSNF). Identifiers: Orphanet 636, MedGen C1834235, MONDO:0008078, OMIM 162210. Disease mechanism: loss of function.

Submission:

Juno Genomics, Hangzhou Juno Genomics, Inc
Classification: Uncertain significance for Café-au-lait macules with pulmonary stenosis; Neurofibromatosis, type 1; Juvenile myelomonocytic leukemia; Neurofibromatosis, familial spinal; Neurofibromatosis-Noonan syndrome. Review status: criteria provided, single submitter. Criteria: ACMG Guidelines, 2015. Collection method: clinical testing. Allele origin: germline.
Comment: Absent from controls (or at extremely low frequency if recessive) in Genome Aggregation Database.;Missense variant in a gene that has a low rate of benign missense variation.